The following is an entry in ClinVar:

ClinVar aggregate classification (germline): Likely pathogenic (1 of 4 stars; one submission).

Conditions:
Myopathy, lactic acidosis, and sideroblastic anemia. Also called: Mitochondrial myopathy and sideroblastic anemia; Myopathy with lactic acidosis and sideroblastic anemia. Identifiers: Orphanet 2598, MedGen C1838103, MONDO:0000863.

Submission:

Natera, Inc.
Classification: Likely pathogenic for Mitochondrial myopathy and sideroblastic anemia. Last evaluated: 2025-07-25. Review status: criteria provided, single submitter. Criteria: Natera Variant Classification Schema (03/2026). Collection method: clinical testing. Allele origin: germline.
Comment: The c.436_439del variant in PUS1 is a frameshift variant predicted to shift the reading frame beginning at codon 146 and leads to a stop codon 12 codons downstream. This variant is expected to result in nonsense mediated decay, truncation, or a dysfunctional protein product. This variant is rare in the general population with a frequency below the threshold expected for the associated phenotype(s). Given the available evidence, this variant is classified as Likely Pathogenic.

NM_025215.6(PUS1):c.436_439del (p.Asp146fs)

Genes: PUS1 (pseudouridine synthase 1; plus strand), LOC132090059 (Neanderthal introgressed variant-containing enhancer experimental_25941; plus strand). Cytogenetic location: 12q24.33.
Variant type: Microsatellite.
Coding change: c.436_439del on transcript NM_025215.6 (MANE Select); coding-DNA positions 436 to 439, 4 bases deleted (GACA; older notation c.436_439delGACA).
Protein change: p.Asp146fs; shifts the reading frame from aspartic acid 146.
Molecular consequence: frameshift variant.
Genome position (GRCh38, 1-based): chr12:131,932,307-131,932,310, GACA deleted; deleting any 4 consecutive bases within chr12:131,932,303-131,932,310 gives the same sequence; the c. name uses the placement nearest the transcript's 3' end. VCF-style (leftmost placement, unchanged base first): chr12-131932302-GGACA-G. GRCh37 (hg19) VCF-style: chr12-132416847-GGACA-G.
Other names: c.352_355del, p.Asp118fs (NM_001002019.3, NM_001002020.3); short protein forms D118fs, D146fs.
Identifiers: ClinVar variation 4816256 (VCV004816256.1).